The following is an entry in ClinVar:

NM_017871.6(INTS11):c.1661A>G (p.Glu554Gly)

Gene: INTS11 (integrator complex subunit 11; minus strand). Cytogenetic location: 1p36.33.
Variant type: single nucleotide variant.
Coding change: c.1661A>G on transcript NM_017871.6 (MANE Select); coding-DNA position 1661, A replaced by G.
Protein change: p.Glu554Gly; replaces glutamic acid 554 with glycine.
Molecular consequence: missense variant.
Genome position (GRCh38, 1-based): chr1:1,312,094, T>C on the plus strand (A>G on the coding strand, the complement: INTS11 is on the minus strand). VCF-style: chr1-1312094-T-C. GRCh37 (hg19) VCF-style: chr1-1247474-T-C.
Other names: c.1679A>G, p.Glu560Gly (NM_001256456.2); c.1574A>G, p.Glu525Gly (NM_001256460.2); c.1367A>G, p.Glu456Gly (NM_001256462.2); c.1358A>G, p.Glu453Gly (NM_001256463.2); short protein forms E453G, E456G, E525G, E554G, E560G.
Identifiers: ClinVar variation 4855074 (VCV004855074.1).

ClinVar aggregate classification (germline): Uncertain significance (1 of 4 stars; one submission).

Conditions:
Neurodevelopmental disorder with motor and language delay, ocular defects, and brain abnormalities (NEDMLOB). Identifiers: MedGen C5830596, MONDO:0957386, OMIM 620428.

Submission:

3billion
Classification: Uncertain significance for Neurodevelopmental disorder with motor and language delay, ocular defects, and brain abnormalities. Last evaluated: 2026-01-26. Review status: criteria provided, single submitter. Criteria: ACMG Guidelines, 2015. Collection method: clinical testing. Allele origin: germline. Affected: yes.
Comment: The variant is not observed in the gnomAD v4.1.0 dataset. Predicted Consequence/Location: Missense variant In silico tools predict the variant to alter splicing and produce an abnormal transcript [SpliceAI: 0.33 (>=0.2, moderate evidence for spliceogenicity)]. Therefore, this variant is classified as VUS according to the recommendation of ACMG/AMP guideline.